The following is an entry in ClinVar:

NM_018699.4(PRDM5):c.1406C>T (p.Ala469Val)

Gene: PRDM5 (PR/SET domain 5; minus strand). Cytogenetic location: 4q27.
Variant type: single nucleotide variant.
Coding change: c.1406C>T on transcript NM_018699.4 (MANE Select); coding-DNA position 1406, C replaced by T.
Protein change: p.Ala469Val; replaces alanine 469 with valine.
Molecular consequence: missense variant.
Genome position (GRCh38, 1-based): chr4:120,781,180, G>A on the plus strand (C>T on the coding strand, the complement: PRDM5 is on the minus strand). VCF-style: chr4-120781180-G-A. GRCh37 (hg19) VCF-style: chr4-121702335-G-A.
Other names: p.Ala469Val; c.1313C>T, p.Ala438Val (NM_001300823.2, NM_001300824.2, NM_001379106.1); c.1439C>T, p.Ala480Val (NM_001379104.1); c.1406C>T (NM_018699.3); short protein forms A469V, A480V, A438V.
Identifiers: ClinVar variation 1380179 (VCV001380179.8), dbSNP rs757433292, ClinGen allele CA3061061.

ClinVar aggregate classification (germline): Uncertain significance. Review status: criteria provided, multiple submitters, no conflicts (2 of 4 stars). 4 submissions from 4 submitters: Uncertain significance (4). Last evaluated 2025-10-21.

Conditions:
Cardiovascular phenotype. Identifiers: MedGen CN230736.

Allele frequency attached by ClinVar (database versions not stated): gnomAD 0.00001; ExAC 0.00002; gnomAD exomes 0.00003.
gnomAD v4.1: 28 of 1,613,098 alleles (0.0017%); highest among the groups gnomAD compares: Admixed American, 0.0033%; no homozygotes.

Submissions (4):

Mayo Clinic Laboratories, Mayo Clinic
Classification: Uncertain significance. Last evaluated: 2025-10-21. Review status: criteria provided, single submitter. Criteria: ACMG Guidelines, 2015. Collection method: clinical testing. Allele origin: germline. Observed: 1 variant allele.

Ambry Genetics
Classification: Uncertain significance for Cardiovascular phenotype. Last evaluated: 2023-11-18. Review status: criteria provided, single submitter. Criteria: Ambry Variant Classification Scheme 2023. Collection method: clinical testing. Allele origin: germline.
Comment: The p.A469V variant (also known as c.1406C>T), located in coding exon 12 of the PRDM5 gene, results from a C to T substitution at nucleotide position 1406. The alanine at codon 469 is replaced by valine, an amino acid with similar properties. This amino acid position is conserved. In addition, the in silico prediction for this alteration is inconclusive. Since supporting evidence is limited at this time, the clinical significance of this alteration remains unclear.

GeneDx
Classification: Uncertain significance. Last evaluated: 2022-10-06. Review status: criteria provided, single submitter. Criteria: GeneDx Variant Classification Process June 2021. Collection method: clinical testing. Allele origin: germline. Affected: yes.
Comment: Not observed at significant frequency in large population cohorts (gnomAD); In silico analysis supports that this missense variant does not alter protein structure/function; Has not been previously published as pathogenic or benign to our knowledge

Labcorp Genetics (formerly Invitae), Labcorp
Classification: Uncertain significance. Last evaluated: 2021-09-24. Review status: criteria provided, single submitter. Criteria: Invitae Variant Classification Sherloc (09022015). Collection method: clinical testing. Allele origin: germline.
Comment: This sequence change replaces alanine with valine at codon 469 of the PRDM5 protein (p.Ala469Val). The alanine residue is highly conserved and there is a small physicochemical difference between alanine and valine. This variant is present in population databases (rs757433292, ExAC 0.009%). This variant has not been reported in the literature in individuals with PRDM5-related conditions. Algorithms developed to predict the effect of missense changes on protein structure and function (SIFT, PolyPhen-2, Align-GVGD) all suggest that this variant is likely to be disruptive, but these predictions have not been confirmed by published functional studies and their clinical significance is uncertain. Algorithms developed to predict the effect of sequence changes on RNA splicing suggest that this variant may create or strengthen a splice site, but this prediction has not been confirmed by published transcriptional studies. In summary, the available evidence is currently insufficient to determine the role of this variant in disease. Therefore, it has been classified as a Variant of Uncertain Significance.